The following is an entry in ClinVar:

NM_000179.3(MSH6):c.2895G>T (p.Arg965Ser)

Gene: MSH6 (mutS homolog 6; plus strand). Cytogenetic location: 2p16.3.
Variant type: single nucleotide variant.
Coding change: c.2895G>T on transcript NM_000179.3 (MANE Select); coding-DNA position 2895, G replaced by T.
Protein change: p.Arg965Ser; replaces arginine 965 with serine.
Molecular consequence: missense variant.
Genome position (GRCh38, 1-based): chr2:47,800,878, G>T. VCF-style: chr2-47800878-G-T. GRCh37 (hg19) VCF-style: chr2-48028017-G-T.
Other names: c.2370G>T, p.Arg790Ser (NM_001406807.1, NM_001406799.1, NM_001406806.1); c.2895G>T, p.Arg965Ser (NM_001406808.1, NM_001406809.1, NM_001406796.1 and 2 more transcripts); c.1989G>T, p.Arg663Ser (NM_001406811.1, NM_001406812.1, NM_001406814.1 and 6 more transcripts); c.2901G>T, p.Arg967Ser (NM_001406813.1); c.2598G>T, p.Arg866Ser (NM_001406818.1, NM_001406797.1, NM_001406801.1 and 10 more transcripts); c.2505G>T, p.Arg835Ser (NM_001281492.2); c.2991G>T, p.Arg997Ser (NM_001406795.1, NM_001406802.1); c.2817G>T, p.Arg939Ser (NM_001406804.1); and 2 more; short protein forms R280S, R663S, R790S, R835S, R866S, R909S, R939S, R965S.
Identifiers: ClinVar variation 1713559 (VCV001713559.6), dbSNP rs1558667093, ClinGen allele CA346756086.
Genomic context (GRCh38, chr2:47,800,878, plus strand): 5'-AGAAAATGAACAGAGCCTCCTGGAATACCTAGAGAAACAGCGCAACAGAATTGGCTGTAG[G>T]ACCATAGTCTATTGGGGGATTGGTAGGAACCGTTACCAGCTGGAAATTCCTGAGAATTTC-3'
Protein context (NP_000170.1, residues 955-975): LEKQRNRIGC[Arg965Ser]TIVYWGIGRN

ClinVar aggregate classification (germline): Uncertain significance (1 of 4 stars; one submission).

Conditions:
Hereditary nonpolyposis colorectal neoplasms. Identifiers: MedGen C0009405, MeSH D003123.

Submission:

Labcorp Genetics (formerly Invitae), Labcorp
Classification: Uncertain significance for Hereditary nonpolyposis colorectal neoplasms. Last evaluated: 2022-07-23. Review status: criteria provided, single submitter. Criteria: Invitae Variant Classification Sherloc (09022015). Collection method: clinical testing. Allele origin: germline.
Comment: In summary, the available evidence is currently insufficient to determine the role of this variant in disease. Therefore, it has been classified as a Variant of Uncertain Significance. Advanced modeling of protein sequence and biophysical properties (such as structural, functional, and spatial information, amino acid conservation, physicochemical variation, residue mobility, and thermodynamic stability) performed at Invitae indicates that this missense variant is not expected to disrupt MSH6 protein function. This variant has not been reported in the literature in individuals affected with MSH6-related conditions. This variant is not present in population databases (gnomAD no frequency). This sequence change replaces arginine, which is basic and polar, with serine, which is neutral and polar, at codon 965 of the MSH6 protein (p.Arg965Ser).